The following is an entry in ClinVar:

ClinVar aggregate classification (germline): Pathogenic (1 of 4 stars; one submission).

Conditions:
GLUT1 deficiency syndrome 1, autosomal recessive. Identifiers: MedGen C3149117.

Submission:

Labcorp Genetics (formerly Invitae), Labcorp
Classification: Pathogenic for GLUT1 deficiency syndrome 1, autosomal recessive. Last evaluated: 2025-07-14. Review status: criteria provided, single submitter. Criteria: Invitae Variant Classification Sherloc (09022015). Collection method: clinical testing. Allele origin: germline.
Comment: This sequence change is expected to alter the c-terminus of the SLC2A1 protein (p.Pro453Leufs*55). While this is not anticipated to result in nonsense mediated decay, it is expected to disrupt the last 40 amino acid(s) of the SLC2A1 protein and extend the protein by 14 additional amino acid residues. This variant is not present in population databases (gnomAD no frequency). This variant has not been reported in the literature in individuals affected with SLC2A1-related conditions. This variant disrupts a region of the SLC2A1 protein in which other variant(s) (p.Arg458Trp) have been determined to be pathogenic (PMID: 23280796, 23340081, 28116237). This suggests that this is a clinically significant region of the protein, and that variants that disrupt it are likely to be disease-causing. For these reasons, this variant has been classified as Pathogenic.

Literature cited by the submitters: PubMed 23280796; PubMed 23340081; PubMed 28116237.

NM_006516.4(SLC2A1):c.1358del (p.Pro453fs)

Gene: SLC2A1 (solute carrier family 2 member 1; minus strand). Cytogenetic location: 1p34.2.
Variant type: Deletion.
Coding change: c.1358del on transcript NM_006516.4 (MANE Select); coding-DNA position 1358, one base deleted (C; older notation c.1358delC).
Protein change: p.Pro453fs; shifts the reading frame from proline 453.
Molecular consequence: frameshift variant.
Genome position (GRCh38, 1-based): chr1:42,927,162, G deleted on the plus strand (C on the coding strand, the reverse complement: SLC2A1 is on the minus strand); the first of 2 consecutive G bases (chr1:42,927,162-42,927,163); deleting either gives the same sequence. VCF-style (leftmost placement, unchanged base first): chr1-42927161-AG-A. GRCh37 (hg19) VCF-style: chr1-43392832-AG-A.
Other names: short protein forms P453fs.
Identifiers: ClinVar variation 4722957 (VCV004722957.1).
Genomic context (GRCh38, chr1:42,927,161, plus strand): 5'-GCTGGCTCCCCCCTGCCGGAAGCCGGAAGCGATCTCATCGAAGGTCCGGCCTTTAGTCTC[AG>A]GAACTTTGAAGTAGGTGAAGATGAAGAACAGAACCAGGAGCACAGTGAAGATGATGAAGA-3'